The following is an entry in ClinVar:

NM_006421.5(ARFGEF1):c.3651G>A (p.Leu1217=)

Gene: ARFGEF1 (ARF guanine nucleotide exchange factor 1; minus strand). Cytogenetic location: 8q13.2.
Variant type: single nucleotide variant.
Coding change: c.3651G>A on transcript NM_006421.5 (MANE Select); coding-DNA position 3651, G replaced by A.
Protein change: p.Leu1217=; no amino-acid change (leucine 1217 retained).
Molecular consequence: synonymous variant. On other transcripts: non-coding transcript variant (1).
Genome position (GRCh38, 1-based): chr8:67,227,539, C>T on the plus strand (G>A on the coding strand, the complement: ARFGEF1 is on the minus strand). VCF-style: chr8-67227539-C-T. GRCh37 (hg19) VCF-style: chr8-68139774-C-T.
Other names: c.3651G>A, p.Leu1217= (NM_001413184.1, NM_001413185.1, NM_001413186.1 and 6 more transcripts); c.3051G>A, p.Leu1017= (NM_001413188.1, NM_001413193.1, NM_001413197.1); c.3645G>A, p.Leu1215= (NM_001413190.1); c.2226G>A, p.Leu742= (NM_001413196.1).
Identifiers: ClinVar variation 4821340 (VCV004821340.4).

ClinVar aggregate classification (germline): Likely benign (1 of 4 stars; one submission).

gnomAD v4.1: 273 of 1,613,024 alleles (0.017%); highest among the groups gnomAD compares: East Asian, 0.32%; 3 homozygotes.

Submission:

CeGaT Center for Human Genetics Tuebingen
Classification: Likely benign. Last evaluated: 2026-03-01. Review status: criteria provided, single submitter. Criteria: CeGaT Center For Human Genetics Tuebingen Variant Classification Criteria Version 2. Collection method: clinical testing. Allele origin: germline. Affected: yes. Observed: 1 variant allele.
Comment: ARFGEF1: BP4, BP7, BS1